The following is an entry in ClinVar:

NM_020911.2(PLXNA4):c.4230C>T (p.Ala1410=)

Gene: PLXNA4 (plexin A4; minus strand). Cytogenetic location: 7q32.3.
Variant type: single nucleotide variant.
Coding change: c.4230C>T on transcript NM_020911.2 (MANE Select); coding-DNA position 4230, C replaced by T.
Protein change: p.Ala1410=; no amino-acid change (alanine 1410 retained).
Molecular consequence: synonymous variant.
Genome position (GRCh38, 1-based): chr7:132,168,360, G>A on the plus strand (C>T on the coding strand, the complement: PLXNA4 is on the minus strand). VCF-style: chr7-132168360-G-A. GRCh37 (hg19) VCF-style: chr7-131853119-G-A.
Other names: c.4230C>T, p.Ala1410= (NM_001393897.1).
Identifiers: ClinVar variation 3035916 (VCV003035916.2), dbSNP rs749584774, ClinGen allele CA4489257.

ClinVar aggregate classification (germline): Likely benign (0 of 4 stars; one submission).

Conditions:
PLXNA4-related disorder. Also called: PLXNA4-related condition.

Allele frequency attached by ClinVar (database versions not stated): gnomAD 0.00003; gnomAD exomes 0.00003; ExAC 0.00004.
gnomAD v4.1: 43 of 1,606,220 alleles (0.0027%); highest among the groups gnomAD compares: Admixed American, 0.005%; no homozygotes.

Submission:

PreventionGenetics, part of Exact Sciences
Classification: Likely benign for PLXNA4-related condition. Last evaluated: 2022-09-21. Review status: no assertion criteria provided. Collection method: clinical testing. Allele origin: germline.
Comment: This variant is classified as likely benign based on ACMG/AMP sequence variant interpretation guidelines (Richards et al. 2015 PMID: 25741868, with internal and published modifications).